The following is an entry in ClinVar:

NM_181741.4(ORC4):c.515T>G (p.Leu172Arg)

Gene: ORC4 (origin recognition complex subunit 4; minus strand). Cytogenetic location: 2q23.1.
Variant type: single nucleotide variant.
Coding change: c.515T>G on transcript NM_181741.4 (MANE Select); coding-DNA position 515, T replaced by G.
Protein change: p.Leu172Arg; replaces leucine 172 with arginine.
Molecular consequence: missense variant.
Genome position (GRCh38, 1-based): chr2:147,952,446, A>C on the plus strand (T>G on the coding strand, the complement: ORC4 is on the minus strand). VCF-style: chr2-147952446-A-C. GRCh37 (hg19) VCF-style: chr2-148710015-A-C.
Other names: c.515T>G, p.Leu172Arg (NM_001190879.3, NM_001374270.1, NM_002552.5 and 1 more transcripts); c.263T>G, p.Leu88Arg (NM_001190881.3, NM_001374272.1); c.293T>G, p.Leu98Arg (NM_001190882.3); short protein forms L172R, L88R, L98R.
Identifiers: ClinVar variation 4056697 (VCV004056697.1).
Genomic context (GRCh38, chr2:147,952,446, plus strand): 5'-AGACCAATAACTGCTATTGGGGTCTGTGCAGACTGAGAAATGTCAAAAAGATTATAGAGA[A>C]GTGTTTGGTTTTTATGATGAGCAAAAAGATCAAATTCATCTAATATGAAGATCACTGGGC-3'
Protein context (NP_859525.1, residues 162-182): DLFAHHKNQT[Leu172Arg]LYNLFDISQS

ClinVar aggregate classification (germline): Uncertain significance (1 of 4 stars; one submission).

Conditions:
Meier-Gorlin syndrome 2 (MGORS2). Identifiers: Orphanet 2554, MedGen C3151097, MONDO:0013428, OMIM 613800.

Submission:

Laboratorio de Genetica e Diagnostico Molecular, Hospital Israelita Albert Einstein
Classification: Uncertain significance for Meier-Gorlin syndrome 2. Last evaluated: 2024-07-08. Review status: criteria provided, single submitter. Criteria: ACMG Guidelines, 2015. Collection method: clinical testing. Allele origin: germline. Affected: yes.
Comment: ACMG classification criteria: PM2 supporting, PP3 supporting